The following is an entry in ClinVar:

ClinVar aggregate classification (germline): Pathogenic. Review status: criteria provided, multiple submitters, no conflicts (2 of 4 stars). 10 submissions from 10 submitters: Pathogenic (9). 1 of the submissions does not count toward it. Last evaluated 2025-05-15.

Conditions:
Abnormal central motor function. Identifiers: MedGen C4023354, HP:0011442.
Hereditary cancer-predisposing syndrome. Also called: Neoplastic Syndromes, Hereditary; Hereditary Cancer Syndrome; Tumor predisposition; Hereditary neoplastic syndrome. Identifiers: Orphanet 140162, MedGen C0027672, MeSH D009386, MONDO:0015356.
Ataxia-telangiectasia syndrome (AT). Also called: LOUIS-BAR SYNDROME; Cerebello-oculocutaneous telangiectasia; Immunodeficiency with ataxia telangiectasia; Ataxia-telangiectasia, complementation group D; AT, COMPLEMENTATION GROUP C; Ataxia-telangiectasia, complementation group E. Identifiers: Orphanet 100, MedGen C0004135, MONDO:0008840, OMIM 208900.
Familial cancer of breast. Also called: Hereditary breast cancer; BREAST CANCER, FAMILIAL; hereditary breast carcinoma. Identifiers: Orphanet 227535, MedGen C0346153, MONDO:0016419, OMIM 114480. Disease mechanism: loss of function.

Submissions (10):

GeneKor MSA
Classification: Pathogenic for Hereditary cancer-predisposing syndrome. Last evaluated: 2025-05-15. Review status: criteria provided, single submitter. Criteria: ACMG Guidelines, 2015. Collection method: clinical testing. Allele origin: germline. Affected: yes.
Comment: This is a single nucleotide substitution, replacing Glutamine with a Termination codon in the ATM gene -p.(Gln2684*). It is expected to result in an absent or disrupted protein product. Loss-of-function variants in ATM are known to be pathogenic (PMID:23807571, 25614872). This variant is not present in population databases (rs1555127102). This nucleotide change has been reported in the literature in individuals affected with Ataxia-telangiectasia (PMID:34628594). The mutation database ClinVar contains entries for this variant where it is listed as pathogenic (VCV000479048.37). Based on the classification criteria set by the ACMG and AMP (PMID:25741868) this variant has been classified as pathogenic.

Center for Genomic Medicine, Rigshospitalet, Copenhagen University Hospital
Classification: Pathogenic. Last evaluated: 2025-03-04. Review status: criteria provided, single submitter. Criteria: ACMG Guidelines, 2015. Collection method: clinical testing. Allele origin: germline.
Comment: Classification criteria: PVS1, PM2_supporting, PM4, PM3_strong

Natera, Inc.
Classification: Pathogenic for Ataxia-telangiectasia. Last evaluated: 2025-02-14. Review status: criteria provided, single submitter. Criteria: Natera Variant Classification Schema (03/2026). Collection method: clinical testing. Allele origin: germline.
Comment: The c.8050C>T variant in ATM is a nonsense variant predicted to introduce a stop codon at amino acid 2684. This variant is expected to result in nonsense mediated decay, truncation, or a dysfunctional protein product. This variant is rare in the general population with a frequency below the threshold expected for the associated phenotype(s). This variant has been observed in one or more individuals affected with the associated recessive disease, as either homozygous or compound heterozygous with a second variant (PMID: 33547824). Given the available evidence, this variant is classified as Pathogenic.

Ambry Genetics
Classification: Pathogenic for Hereditary cancer-predisposing syndrome. Last evaluated: 2024-05-21. Review status: criteria provided, single submitter. Criteria: Ambry Variant Classification Scheme 2023. Collection method: clinical testing. Allele origin: germline.
Comment: The p.Q2684* pathogenic mutation (also known as c.8050C>T), located in coding exon 54 of the ATM gene, results from a C to T substitution at nucleotide position 8050. This changes the amino acid from a glutamine to a stop codon within coding exon 54. This variant is considered to be rare based on population cohorts in the Genome Aggregation Database (gnomAD). This alteration is expected to result in loss of function by premature protein truncation or nonsense-mediated mRNA decay. As such, this alteration is interpreted as a disease-causing mutation.

Myriad Genetics, Inc.
Classification: Pathogenic for Familial cancer of breast. Last evaluated: 2024-02-01. Review status: criteria provided, single submitter. Criteria: Myriad Autosomal Dominant, Autosomal Recessive and X-Linked Classification Criteria (2023). Collection method: clinical testing. Allele origin: unknown.
Comment: This variant is considered pathogenic. This variant creates a termination codon and is predicted to result in premature protein truncation.

Baylor Genetics
Classification: Pathogenic for Familial cancer of breast. Last evaluated: 2023-12-21. Review status: criteria provided, single submitter. Criteria: ACMG Guidelines, 2015. Collection method: clinical testing. Allele origin: unknown.

Labcorp Genetics (formerly Invitae), Labcorp
Classification: Pathogenic for Ataxia-telangiectasia syndrome. Last evaluated: 2023-12-19. Review status: criteria provided, single submitter. Criteria: Invitae Variant Classification Sherloc (09022015). Collection method: clinical testing. Allele origin: germline.
Comment: This sequence change creates a premature translational stop signal (p.Gln2684*) in the ATM gene. It is expected to result in an absent or disrupted protein product. Loss-of-function variants in ATM are known to be pathogenic (PMID: 23807571, 25614872). This variant is not present in population databases (gnomAD no frequency). This premature translational stop signal has been observed in individual(s) with ataxia telangiectasia (PMID: 34628594). ClinVar contains an entry for this variant (Variation ID: 479048). For these reasons, this variant has been classified as Pathogenic.

GeneDx
Classification: Pathogenic. Last evaluated: 2022-09-08. Review status: criteria provided, single submitter. Criteria: GeneDx Variant Classification Process June 2021. Collection method: clinical testing. Allele origin: germline. Affected: yes.
Comment: Nonsense variant predicted to result in protein truncation or nonsense mediated decay in a gene for which loss of function is a known mechanism of disease; Not observed at significant frequency in large population cohorts (gnomAD); This variant is associated with the following publications: (PMID: 27479817, 33547824)

Kariminejad - Najmabadi Pathology & Genetics Center
Classification: Pathogenic for Abnormal central motor function. Last evaluated: 2021-07-10. Review status: criteria provided, single submitter. Criteria: ACMG Guidelines, 2015. Collection method: clinical testing. Allele origin: germline. Affected: yes.

Immunology, Asthma and Allergy Research Institute, Tehran University of Medical Sciences
Classification: Pathogenic for Ataxia-telangiectasia syndrome. Review status: no assertion criteria provided. Collection method: research. Allele origin: inherited. Affected: yes. Not counted in ClinVar's aggregate classification.

Literature cited by the submitters: PubMed 23807571 (cited by 3 submitters); PubMed 25614872 (cited by GeneKor MSA and Labcorp Genetics (formerly Invitae), Labcorp); PubMed 34628594 (cited by 3 submitters); PubMed 33547824 (cited by Natera, Inc.).

NM_000051.4(ATM):c.8050C>T (p.Gln2684Ter)

Genes: C11orf65 (chromosome 11 open reading frame 65; minus strand), ATM (ATM serine/threonine kinase; plus strand). Cytogenetic location: 11q22.3.
Variant type: single nucleotide variant.
Coding change: c.8050C>T on transcript NM_000051.4 (MANE Select); coding-DNA position 8050, C replaced by T.
Protein change: p.Gln2684Ter; replaces glutamine 2684 with a stop codon.
Molecular consequence: nonsense. On other transcripts: intron variant (2).
Genome position (GRCh38, 1-based): chr11:108,335,008, C>T. VCF-style: chr11-108335008-C-T. GRCh37 (hg19) VCF-style: chr11-108205735-C-T.
Other names: c.8050C>T, p.Gln2684Ter (NM_001351834.2); c.641-25937G>A (NM_001330368.2); c.*38+212G>A (NM_001351110.2); short protein forms Q2684*.
Identifiers: ClinVar variation 479048 (VCV000479048.38), dbSNP rs1555127102, ClinGen allele CA382561922.